The following is an entry in ClinVar:

NM_000500.9(CYP21A2):c.40G>T (p.Ala14Ser)

Genes: CYP21A2 (cytochrome P450 family 21 subfamily A member 2; plus strand), LOC106780800 (CYP21A2 recombination region; plus strand). Cytogenetic location: 6p21.33.
Variant type: single nucleotide variant.
Coding change: c.40G>T on transcript NM_000500.9 (MANE Select); coding-DNA position 40, G replaced by T.
Protein change: p.Ala14Ser; replaces alanine 14 with serine.
Molecular consequence: missense variant. On other transcripts: 5 prime UTR variant (2).
Genome position (GRCh38, 1-based): chr6:32,038,462, G>T. VCF-style: chr6-32038462-G-T. GRCh37 (hg19) VCF-style: chr6-32006239-G-T.
Other names: c.40G>T, p.Ala14Ser (NM_001128590.4); c.-385G>T (NM_001368143.2); c.-295G>T (NM_001368144.2); short protein forms A14S.
Identifiers: ClinVar variation 998097 (VCV000998097.5), dbSNP rs764636694, ClinGen allele CA3732263.

ClinVar aggregate classification (germline): Uncertain significance. Review status: criteria provided, single submitter (1 of 4 stars). 2 submissions from 2 submitters: Uncertain significance (1). 1 of the submissions does not count toward it. Last evaluated 2022-05-11.

Conditions:
21-Hydroxylase-Deficient Congenital Adrenal Hyperplasia. Also called: ADRENAL HYPERPLASIA, CONGENITAL, DUE TO 21-HYDROXYLASE DEFICIENCY; ADRENAL HYPERPLASIA III. Identifiers: MedGen C2936858, OMIM 201910.

Allele frequency attached by ClinVar (database versions not stated): gnomAD exomes 0.00023; 1000 Genomes Project 30x 0.00031; ExAC 0.00073.
gnomAD v4.1: 120 of 1,566,912 alleles (0.0077%); highest among the groups gnomAD compares: South Asian, 0.12%; 1 homozygote.

Submissions (2):

Fulgent Genetics
Classification: Uncertain significance for 21-Hydroxylase-Deficient Congenital Adrenal Hyperplasia. Last evaluated: 2022-05-11. Review status: criteria provided, single submitter. Criteria: ACMG Guidelines, 2015. Collection method: clinical testing. Allele origin: unknown.

Lifecell International Pvt. Ltd
Classification: Uncertain significance for 21-Hydroxylase-Deficient Congenital Adrenal Hyperplasia. Review status: no assertion criteria provided. Collection method: clinical testing. Allele origin: germline. Inheritance: Autosomal recessive inheritance. Affected: yes. Observed: 1 variant allele, 1 homozygote. Not counted in ClinVar's aggregate classification.
Comment: This variant in exon 1 of the CYP21A2 gene results in the amino acid substitution from Alanine to Serine at codon 14 (p.Ala14Ser) with the sequence change of c.40G>T (NM_000500.7). The observed variant is not present in the 1000G database and has a minor allele frequency of 0.0002301 in the gnomAD database. The in-silico predictions by MutationTaster and SIFT are benign and the nucleotide position is not strongly conserved by GERP++.